The following is an entry in ClinVar:

NM_001927.4(DES):c.93T>G (p.Ser31Arg)

Gene: DES (desmin; plus strand). Cytogenetic location: 2q35.
Variant type: single nucleotide variant.
Coding change: c.93T>G on transcript NM_001927.4 (MANE Select); coding-DNA position 93, T replaced by G.
Protein change: p.Ser31Arg; replaces serine 31 with arginine.
Molecular consequence: missense variant.
Genome position (GRCh38, 1-based): chr2:219,418,555, T>G. VCF-style: chr2-219418555-T-G. GRCh37 (hg19) VCF-style: chr2-220283277-T-G.
Other names: c.93T>G (LRG_380t1); short protein forms S31R.
Identifiers: ClinVar variation 582559 (VCV000582559.18), dbSNP rs2017800, ClinGen allele CA2125016.

ClinVar aggregate classification (germline): Uncertain significance. Review status: criteria provided, multiple submitters, no conflicts (2 of 4 stars). 5 submissions from 5 submitters: Uncertain significance (5). Last evaluated 2025-11-12.

Conditions:
Dilated cardiomyopathy 1I (CMD1I). Identifiers: Orphanet 154, MedGen C1858154, MONDO:0011482, OMIM 604765.
Neurogenic scapuloperoneal syndrome, Kaeser type (SCPNK). Also called: KAESER SYNDROME. Identifiers: Orphanet 85146, MedGen C1867005, MONDO:0008407, OMIM 181400.
Desmin-related myofibrillar myopathy (MFM1). Also called: MYOFIBRILLAR MYOPATHY WITH ARRHYTHMOGENIC RIGHT VENTRICULAR CARDIOMYOPATHY; DESMIN-RELATED MYOPATHY WITH ARRHYTHMOGENIC RIGHT VENTRICULAR CARDIOMYOPATHY; Desminopathy; Desmin related myopathy (former name); Desmin storage myopathy (former name); Myofibrillar myopathy 1. Identifiers: Orphanet 363543, Orphanet 98909, MedGen C1832370, MONDO:0011076, OMIM 601419.
Cardiovascular phenotype. Identifiers: MedGen CN230736.

Submissions (5):

Labcorp Genetics (formerly Invitae), Labcorp
Classification: Uncertain significance for Desmin-related myofibrillar myopathy. Last evaluated: 2025-11-12. Review status: criteria provided, single submitter. Criteria: Invitae Variant Classification Sherloc (09022015). Collection method: clinical testing. Allele origin: germline.
Comment: This sequence change replaces serine, which is neutral and polar, with arginine, which is basic and polar, at codon 31 of the DES protein (p.Ser31Arg). This variant is present in population databases (rs2017800, gnomAD 0.009%). This variant has not been reported in the literature in individuals affected with DES-related conditions. ClinVar contains an entry for this variant (Variation ID: 582559). Invitae Evidence Modeling of protein sequence and biophysical properties (such as structural, functional, and spatial information, amino acid conservation, physicochemical variation, residue mobility, and thermodynamic stability) indicates that this missense variant is not expected to disrupt DES protein function with a negative predictive value of 80%. In summary, the available evidence is currently insufficient to determine the role of this variant in disease. Therefore, it has been classified as a Variant of Uncertain Significance.

Dasa
Classification: Uncertain significance. Last evaluated: 2025-07-10. Review status: criteria provided, single submitter. Criteria: DASA Assertion Criteria. Collection method: clinical testing. Allele origin: germline.
Comment: NM_001927.4(DES):c.93T>G (p.Ser31Arg) is a missense variant that results in the substitution of serine with arginine. This variant is rare in population databases. Computational prediction algorithms are consistent with a benign effect. The currently available literature and clinical evidence are not sufficient to establish a definitive association between this variant and the reported condition. Therefore, this variant is classified as a variant of uncertain significance.

Ambry Genetics
Classification: Uncertain significance for Cardiovascular phenotype. Last evaluated: 2023-09-15. Review status: criteria provided, single submitter. Criteria: Ambry Variant Classification Scheme 2023. Collection method: clinical testing. Allele origin: germline.
Comment: The p.S31R variant (also known as c.93T>G), located in coding exon 1 of the DES gene, results from a T to G substitution at nucleotide position 93. The serine at codon 31 is replaced by arginine, an amino acid with dissimilar properties. This amino acid position is not well conserved in available vertebrate species. In addition, this alteration is predicted to be tolerated by in silico analysis. Since supporting evidence is limited at this time, the clinical significance of this alteration remains unclear.

Fulgent Genetics
Classification: Uncertain significance for Neurogenic scapuloperoneal syndrome, Kaeser type; Desmin-related myofibrillar myopathy; Dilated cardiomyopathy 1I. Last evaluated: 2021-09-14. Review status: criteria provided, single submitter. Criteria: ACMG Guidelines, 2015. Collection method: clinical testing. Allele origin: unknown.

GeneDx
Classification: Uncertain significance. Last evaluated: 2019-05-13. Review status: criteria provided, single submitter. Criteria: GeneDx Variant Classification Process June 2021. Collection method: clinical testing. Allele origin: germline. Affected: yes.
Comment: In silico analysis, which includes protein predictors and evolutionary conservation, supports that this variant does not alter protein structure/function; Has not been previously published as pathogenic or benign to our knowledge